The following is an entry in ClinVar:

NM_153704.6(TMEM67):c.926T>G (p.Val309Gly)

Gene: TMEM67 (transmembrane protein 67; plus strand). Cytogenetic location: 8q22.1.
Variant type: single nucleotide variant.
Coding change: c.926T>G on transcript NM_153704.6 (MANE Select); coding-DNA position 926, T replaced by G.
Protein change: p.Val309Gly; replaces valine 309 with glycine.
Molecular consequence: missense variant. On other transcripts: non-coding transcript variant (1).
Genome position (GRCh38, 1-based): chr8:93,780,930, T>G. VCF-style: chr8-93780930-T-G. GRCh37 (hg19) VCF-style: chr8-94793158-T-G.
Other names: c.683T>G, p.Val228Gly (NM_001142301.1); short protein forms V228G, V309G.
Identifiers: ClinVar variation 1518605 (VCV001518605.6), dbSNP rs750006477, ClinGen allele CA4807813.
Genomic context (GRCh38, chr8:93,780,930, plus strand): 5'-ATAGGAGACAGAATCTTCCTTGGCTGTTTTATGGAGACCAGTTAGGATTAGCACCTCAAG[T>G]GCTCAGTTCTACCTCTCTTCCTACAAATTTCAGTTTTAAAGGAGAAAACCAGGTAAAAGT-3'
Protein context (NP_714915.3, residues 299-319): YGDQLGLAPQ[Val309Gly]LSSTSLPTNF

ClinVar aggregate classification (germline): Uncertain significance. Review status: criteria provided, multiple submitters, no conflicts (2 of 4 stars). 2 submissions from 2 submitters: Uncertain significance (2). Last evaluated 2022-04-11.

Conditions:
COACH syndrome 1. Identifiers: Orphanet 1454, MedGen C5435651, MONDO:0800103, OMIM 216360, MONDO:0008996.
Nephronophthisis 11 (NPHP11). Identifiers: Orphanet 84081, MedGen C3150796, MONDO:0013302, OMIM 613550.
Bardet-Biedl syndrome 14 (BBS14). Identifiers: Orphanet 110, MedGen C2673874, MONDO:0014442, OMIM 615991.
Joubert syndrome 6 (JBTS6). Identifiers: Orphanet 475, MedGen C1853153, MONDO:0012539, OMIM 610688.
RHYNS syndrome. Also called: RETINITIS PIGMENTOSA SYNDROME; RETINITIS PIGMENTOSA, HYPOPITUITARISM, NEPHRONOPHTHISIS, AND MILD SKELETAL DYSPLASIA. Identifiers: Orphanet 140976, MedGen C1865794, MONDO:0011202, OMIM 602152.
Meckel syndrome, type 3 (MKS3). Also called: MECKEL-GRUBER SYNDROME, TYPE 3. Identifiers: Orphanet 564, MedGen C1846357, MONDO:0011821, OMIM 607361.
Meckel-Gruber syndrome. Also called: DYSENCEPHALIA SPLANCHNOCYSTICA; GRUBER SYNDROME; Dysencephalia splachnocystica. Identifiers: Orphanet 564, MedGen C0265215, MONDO:0018921.
Joubert syndrome. Also called: CEREBELLOPARENCHYMAL DISORDER IV; JOUBERT-BOLTSHAUSER SYNDROME; Familial aplasia of the vermis. Identifiers: Orphanet 475, MedGen C5979921, MONDO:0018772.

Allele frequency attached by ClinVar (database versions not stated): ExAC 0.00001; gnomAD 0.00001.
gnomAD v4.1: 1 of 1,612,284 alleles (0.000062%); highest among the groups gnomAD compares: Non-Finnish European, 0.000085%; no homozygotes.

Submissions (2):

Fulgent Genetics
Classification: Uncertain significance for COACH syndrome 1; RHYNS syndrome; Meckel syndrome, type 3; Joubert syndrome 6; Nephronophthisis 11; Bardet-Biedl syndrome 14. Last evaluated: 2022-04-11. Review status: criteria provided, single submitter. Criteria: ACMG Guidelines, 2015. Collection method: clinical testing. Allele origin: unknown.

Labcorp Genetics (formerly Invitae), Labcorp
Classification: Uncertain significance for Joubert syndrome; Meckel-Gruber syndrome. Last evaluated: 2022-02-10. Review status: criteria provided, single submitter. Criteria: Invitae Variant Classification Sherloc (09022015). Collection method: clinical testing. Allele origin: germline.
Comment: This sequence change replaces valine, which is neutral and non-polar, with glycine, which is neutral and non-polar, at codon 309 of the TMEM67 protein (p.Val309Gly). This variant is present in population databases (rs750006477, gnomAD 0.0009%). This variant has not been reported in the literature in individuals affected with TMEM67-related conditions. Advanced modeling of protein sequence and biophysical properties (such as structural, functional, and spatial information, amino acid conservation, physicochemical variation, residue mobility, and thermodynamic stability) performed at Invitae indicates that this missense variant is expected to disrupt TMEM67 protein function. In summary, the available evidence is currently insufficient to determine the role of this variant in disease. Therefore, it has been classified as a Variant of Uncertain Significance.